The following is an entry in ClinVar:

ClinVar aggregate classification (germline): Uncertain significance (1 of 4 stars; one submission).

gnomAD v4.1: 38 of 1,614,122 alleles (0.0024%); highest among the groups gnomAD compares: South Asian, 0.034%; no homozygotes.

Submission:

Labcorp Genetics (formerly Invitae), Labcorp
Classification: Uncertain significance. Last evaluated: 2025-05-13. Review status: criteria provided, single submitter. Criteria: Invitae Variant Classification Sherloc (09022015). Collection method: clinical testing. Allele origin: germline.
Comment: This sequence change replaces alanine, which is neutral and non-polar, with valine, which is neutral and non-polar, at codon 284 of the SIX2 protein (p.Ala284Val). This variant is present in population databases (rs766259257, gnomAD 0.02%). This variant has not been reported in the literature in individuals affected with SIX2-related conditions. An algorithm developed to predict the effect of missense changes on protein structure and function (PolyPhen-2) suggests that this variant is likely to be tolerated. In summary, the available evidence is currently insufficient to determine the role of this variant in disease. Therefore, it has been classified as a Variant of Uncertain Significance.

NM_016932.5(SIX2):c.851C>T (p.Ala284Val)

Gene: SIX2 (SIX homeobox 2; minus strand). Cytogenetic location: 2p21.
Variant type: single nucleotide variant.
Coding change: c.851C>T on transcript NM_016932.5 (MANE Select); coding-DNA position 851, C replaced by T.
Protein change: p.Ala284Val; replaces alanine 284 with valine.
Molecular consequence: missense variant.
Genome position (GRCh38, 1-based): chr2:45,006,195, G>A on the plus strand (C>T on the coding strand, the complement: SIX2 is on the minus strand). VCF-style: chr2-45006195-G-A. GRCh37 (hg19) VCF-style: chr2-45233334-G-A.
Other names: short protein forms A284V.
Identifiers: ClinVar variation 4694048 (VCV004694048.1).